The following is an entry in ClinVar:

NM_014236.4(GNPAT):c.-47C>T

Gene: GNPAT (glyceronephosphate O-acyltransferase; plus strand). Cytogenetic location: 1q42.2.
Variant type: single nucleotide variant.
Coding change: c.-47C>T on transcript NM_014236.4 (MANE Select); 47 bases upstream of the start codon, C replaced by T.
Molecular consequence: 5 prime UTR variant.
Genome position (GRCh38, 1-based): chr1:231,241,332, C>T. VCF-style: chr1-231241332-C-T. GRCh37 (hg19) VCF-style: chr1-231377078-C-T.
Other names: c.-47C>T (NM_001316350.2).
Identifiers: ClinVar variation 625272 (VCV000625272.2), dbSNP rs201907247, ClinGen allele CA38953698.
Genomic context (GRCh38, chr1:231,241,332, plus strand): 5'-GCCCTAGGCGAAGTAGGGCCGTCCTGAGCGAAAGAACCGCCCCCAGCAGGAGCACCACCA[C>T]GGCTTAGCAAAGAATCCCAGACCCCGCCCGGGAAGGCAGCCGCACCATGGAGTCTTCCAG-3'

Allele frequency attached by ClinVar (database versions not stated): 1000 Genomes Project 30x 0.00016.
gnomAD v4.1: 8 of 1,521,032 alleles (0.00053%); highest among the groups gnomAD compares: East Asian, 0.0068%; no homozygotes.

Submission:

Seelig Lab, University of Washington
No classification provided (evidence only). Review status: no classification provided. Collection method: in vitro. Allele origin: not applicable. Functional consequence: effect on translation.
ClinVar note: "not provided" was previously submitted as the classification for the variant. However, the classification appeared to be based only on an observation of functional data so it was converted to no classification on 2025-07-30.